The following is an entry in ClinVar:

NM_001385012.1(NBEA):c.199A>G (p.Ile67Val)

Gene: NBEA (neurobeachin; plus strand). Cytogenetic location: 13q13.3.
Variant type: single nucleotide variant.
Coding change: c.199A>G on transcript NM_001385012.1 (MANE Select); coding-DNA position 199, A replaced by G.
Protein change: p.Ile67Val; replaces isoleucine 67 with valine.
Molecular consequence: missense variant.
Genome position (GRCh38, 1-based): chr13:34,943,019, A>G. VCF-style: chr13-34943019-A-G. GRCh37 (hg19) VCF-style: chr13-35517156-A-G.
Other names: c.199A>G, p.Ile67Val (NM_001379245.1, NM_015678.5); short protein forms I67V.
Identifiers: ClinVar variation 4885781 (VCV004885781.2).

ClinVar aggregate classification (germline): Uncertain significance (1 of 4 stars; one submission).

Submission:

Dasa
Classification: Uncertain significance. Last evaluated: 2026-04-09. Review status: criteria provided, single submitter. Criteria: DASA Assertion Criteria. Collection method: clinical testing. Allele origin: germline.
Comment: NM_001385012.1(NBEA):c.199A>G (p.Ile67Val) is a missense variant that results in the substitution of isoleucine with valine. This variant is rare in population databases. Computational prediction algorithms are consistent with a benign effect. The currently available literature and clinical evidence are not sufficient to establish a definitive association between this variant and the reported condition. Therefore, this variant is classified as a variant of uncertain significance.